The following is an entry in ClinVar:

ClinVar aggregate classification (germline): Uncertain significance (1 of 4 stars; one submission).

Conditions:
Short stature, facial dysmorphism, and skeletal anomalies with or without cardiac anomalies 1. Identifiers: MedGen C5542952, MONDO:0100297, OMIM 617877.

Allele frequency attached by ClinVar (database versions not stated): gnomAD exomes below 0.00001 and 0.00001; TOPMed below 0.00001; ExAC 0.00001; gnomAD 0.00001.
gnomAD v4.1: 5 of 1,614,044 alleles (0.00031%); highest among the groups gnomAD compares: African/African-American, 0.0013%; no homozygotes.

Submission:

New York Genome Center
Classification: Uncertain significance for Short stature, facial dysmorphism, and skeletal anomalies with or without cardiac anomalies 1. Last evaluated: 2021-05-27. Review status: criteria provided, single submitter. Criteria: NYGC Assertion Criteria 2020. Collection method: clinical testing. Allele origin: inherited. Observed: 1 heterozygote. Study: CSER-NYCKidSeq.
Comment: The inherited heterozygous c.922G>A (p.Val308Met) missense variant identified in the BMP2 gene has not been reported in affected individuals in the literature. The variant has 0.000006572 allele frequency in the gnomAD(v3) database (1 out of 152160 heterozygous alleles, no homozygotes) suggesting it is not a common benign variant in the populations represented in that database. The variant affects an evolutionarily conserved residue and is predicteddeleterious by multiple in silico prediction tools (CADD score = 29.7, REVEL score = 0.742). Based on the available evidence, the inherited heterozygous c.922G>A (p.Val308Met) missense variant identified in the BMP2 gene is reported as a variant of uncertain significance.

NM_001200.4(BMP2):c.922G>A (p.Val308Met)

Gene: BMP2 (bone morphogenetic protein 2; plus strand). Cytogenetic location: 20p12.3.
Variant type: single nucleotide variant.
Coding change: c.922G>A on transcript NM_001200.4 (MANE Select); coding-DNA position 922, G replaced by A.
Protein change: p.Val308Met; replaces valine 308 with methionine.
Molecular consequence: missense variant.
Genome position (GRCh38, 1-based): chr20:6,778,820, G>A. VCF-style: chr20-6778820-G-A. GRCh37 (hg19) VCF-style: chr20-6759467-G-A.
Other names: short protein forms V308M.
Identifiers: ClinVar variation 1679583 (VCV001679583.1), dbSNP rs758959332, ClinGen allele CA9758769.